The following is an entry in ClinVar:

ClinVar aggregate classification (germline): Uncertain significance (1 of 4 stars; one submission).

Conditions:
Chédiak-Higashi syndrome (CHS). Also called: Chediak-Higashi Syndrome. Identifiers: Orphanet 167, MedGen C0007965, MONDO:0008963, OMIM 214500.

Allele frequency attached by ClinVar (database versions not stated): TOPMed 0.00001; ExAC 0.00002; gnomAD 0.00002.
gnomAD v4.1: 23 of 1,613,960 alleles (0.0014%); highest among the groups gnomAD compares: Admixed American, 0.0067%; no homozygotes.

Submission:

Labcorp Genetics (formerly Invitae), Labcorp
Classification: Uncertain significance for Chédiak-Higashi syndrome. Last evaluated: 2022-08-16. Review status: criteria provided, single submitter. Criteria: Invitae Variant Classification Sherloc (09022015). Collection method: clinical testing. Allele origin: germline.
Comment: This sequence change replaces methionine, which is neutral and non-polar, with valine, which is neutral and non-polar, at codon 250 of the LYST protein (p.Met250Val). This variant is present in population databases (rs753002915, gnomAD 0.006%). This variant has not been reported in the literature in individuals affected with LYST-related conditions. ClinVar contains an entry for this variant (Variation ID: 640260). Algorithms developed to predict the effect of missense changes on protein structure and function (SIFT, PolyPhen-2, Align-GVGD) all suggest that this variant is likely to be tolerated. In summary, the available evidence is currently insufficient to determine the role of this variant in disease. Therefore, it has been classified as a Variant of Uncertain Significance.

NM_000081.4(LYST):c.748A>G (p.Met250Val)

Gene: LYST (lysosomal trafficking regulator; minus strand). Cytogenetic location: 1q42.3.
Variant type: single nucleotide variant.
Coding change: c.748A>G on transcript NM_000081.4 (MANE Select); coding-DNA position 748, A replaced by G.
Protein change: p.Met250Val; replaces methionine 250 with valine.
Molecular consequence: missense variant.
Genome position (GRCh38, 1-based): chr1:235,810,070, T>C on the plus strand (A>G on the coding strand, the complement: LYST is on the minus strand). VCF-style: chr1-235810070-T-C. GRCh37 (hg19) VCF-style: chr1-235973370-T-C.
Other names: c.748A>G, p.Met250Val (NM_001301365.1); short protein forms M250V.
Identifiers: ClinVar variation 640260 (VCV000640260.4), dbSNP rs753002915, ClinGen allele CA1467564.
Genomic context (GRCh38, chr1:235,810,070, plus strand): 5'-TACAAACTTTTTCTAATAAAGATAACAAAACATGACATAAGTCAAATGGAGAATTGTTCA[T>C]GTTACTGATAACAGACAAGGCAGCTGGCTCACTTAAAATGTCAGTGTTTGACCCCTGTCT-3'
Protein context (NP_000072.2, residues 240-260): EPAALSVISN[Met250Val]NNSPFDLCHV